The following is an entry in ClinVar:

ClinVar aggregate classification (germline): Pathogenic. Review status: reviewed by expert panel (3 of 4 stars). 5 submissions from 4 submitters: Pathogenic (1). 4 of the submissions do not count toward it. Last evaluated 2024-07-09.

Conditions:
von Willebrand disease type 2 (VWD2). Also called: VWD, TYPE 2; VON WILLEBRAND DISEASE, TYPE II; VON WILLEBRAND DISEASE, TYPE 2A/IIE; VON WILLEBRAND DISEASE, TYPE 2CB. Identifiers: Orphanet 166081, Orphanet 903, MedGen C1264040, MONDO:0013304, OMIM 613554.
Von Willebrand disease type 2A. Identifiers: Orphanet 166084, MedGen C1282968, MONDO:0015628. Inheritance: Autosomal recessive or autosomal dominant.
von Willebrand disease type 1 (VWD1). Also called: VWD, TYPE 1; VON WILLEBRAND DISEASE, TYPE I. Identifiers: Orphanet 166078, Orphanet 903, MedGen C1264039, MONDO:0008668, OMIM 193400. Inheritance: autosomal recessive or autosomal dominant.

Allele frequency attached by ClinVar (database versions not stated): gnomAD exomes below 0.00001.
gnomAD v4.1: 1 of 541,718 alleles (0.00018%); highest among the groups gnomAD compares: Non-Finnish European, 0.00032%; no homozygotes.

Submissions (5):

ClinGen von Willebrand Disease Variant Curation Expert Panel, ClinGen
Classification: Pathogenic for Von Willebrand disease type 2A. Last evaluated: 2024-07-09. Review status: reviewed by expert panel. Criteria: ClinGen VWD 2A B M Rules. Collection method: curation. Allele origin: germline. Inheritance: Autosomal dominant inheritance.
Comment: The NM_000552.5(VWF):c.3445T>C variant in VWF is a missense variant predicted to cause substitution of cysteine by arginine at amino acid 1149 in the D3 (multimerization) domain. This variant has been reported in at least 8 apparently unrelated families exhibiting a VWD Type 2A phenotype (PMID: 19286880, PMID: 8839833, PMID: 28971901, PS4). At least 7 patients with this variant displayed excessive mucocutaneous bleeding as well as laboratory phenotypes of very low VWF activity measured by VWF:RCo, activity/VWF:Ag ratio <0.7, and loss of high molecular weight multimers, which together are highly specific for VWD type 2A (PP4_moderate, PMID: 19286880, PMID: 28971901). The variant has been reported to segregate with VWD type 2A through at least 2 affected meioses from 3 different families (PP1_Moderate; PMID: 8839833, PMID: 19286880, PMID: 28971901). The Grpmax filtering allele frequency in gnomAD v4.1 is 0 (based on 1/316464 alleles in the European non-Finnish population), which is lower than the ClinGen VWD VCEP threshold of<0.0001 (PM2_Supporting). The computational predictor REVEL gives a score of 0.971, which is above the ClinGen VWD VCEP threshold of >0.644 and predicts a damaging effect on VWF function (PP3). Multimerization assays performed with the p.Cys1149Arg recombinant mutant and wild-type vWF expressed by 293T cells showed an overall decrease in secreted multimers, with particular loss of high-molecular weight multimers), indicating that this variant has a damaging effect on protein function (PMID: 839833 Fig. 3, PMID: 14995987)(PS3). Additional functional characterization studies have found that the variant protein exhibits characteristics of a quantitative VWF defect as well, as it is retained in the endoplasmic reticulum, exerts a partially dominant negative effect on VWF secretion, and is more rapidly cleared from circulation (PMID: 11698279, PMID: 8839833, PMID: 21596755, PMID: 16194200). In summary, this variant meets the criteria to be classified as Pathogenic for von Willebrand disease type 2A. ACMG/AMP criteria applied as specified by the ClinGen von Willebrand disease Variant Curation Expert Panel: PS4, PP4_Moderate, PP1_Moderate, PS3, PP3, PM2_Supporting.

Laboratory of Hematology, Radboud University Medical Center
Classification: Pathogenic for von Willebrand disease type 1. Last evaluated: 2021-10-01. Review status: criteria provided, single submitter. Criteria: ACMG Guidelines, 2015. Collection method: research. Allele origin: germline. Affected: yes. Observed: 2 variant alleles. Study: WIN study. Not counted in ClinVar's aggregate classification.

Laboratory of Hematology, Radboud University Medical Center
Classification: Pathogenic for von Willebrand disease type 2. Last evaluated: 2021-10-01. Review status: criteria provided, single submitter. Criteria: ACMG Guidelines, 2015. Collection method: research. Allele origin: germline. Affected: yes. Observed: 6 variant alleles. Study: WIN study. Not counted in ClinVar's aggregate classification.

OMIM
Classification: Pathogenic for VON WILLEBRAND DISEASE, TYPE 1. Last evaluated: 2001-11-15. Review status: no assertion criteria provided. Collection method: literature only. Allele origin: germline. Not counted in ClinVar's aggregate classification.

Academic Unit of Haematology, University of Sheffield
No classification provided. Review status: no classification provided. Collection method: not provided. Allele origin: not provided. Not counted in ClinVar's aggregate classification.

Literature cited by the submitters: PubMed 8839833 (cited by OMIM); PubMed 11698279 (cited by OMIM).

NM_000552.5(VWF):c.3445T>C (p.Cys1149Arg)

Gene: VWF (von Willebrand factor; minus strand). Cytogenetic location: 12p13.31.
Variant type: single nucleotide variant.
Coding change: c.3445T>C on transcript NM_000552.5 (MANE Select); coding-DNA position 3445, T replaced by C.
Protein change: p.Cys1149Arg; replaces cysteine 1149 with arginine.
Molecular consequence: missense variant.
Genome position (GRCh38, 1-based): chr12:6,022,833, A>G on the plus strand (T>C on the coding strand, the complement: VWF is on the minus strand). VCF-style: chr12-6022833-A-G. GRCh37 (hg19) VCF-style: chr12-6131999-A-G.
Other names: p.C1149R; NM_000552.5(VWF):c.3445T>C; short protein forms C1149R.
Identifiers: ClinVar variation 309 (VCV000000309.3), dbSNP rs61748511, ClinGen allele CA228410.